The following is an entry in ClinVar:

NM_020937.4(FANCM):c.3879T>G (p.Thr1293=)

Gene: FANCM (FA complementation group M; plus strand). Cytogenetic location: 14q21.2.
Variant type: single nucleotide variant.
Coding change: c.3879T>G on transcript NM_020937.4 (MANE Select); coding-DNA position 3879, T replaced by G.
Protein change: p.Thr1293=; no amino-acid change (threonine 1293 retained).
Molecular consequence: synonymous variant.
Genome position (GRCh38, 1-based): chr14:45,176,633, T>G. VCF-style: chr14-45176633-T-G. GRCh37 (hg19) VCF-style: chr14-45645836-T-G.
Other names: c.3801T>G, p.Thr1267= (NM_001308133.2).
Identifiers: ClinVar variation 3054006 (VCV003054006.4), dbSNP rs949256061, ClinGen allele CA259628554.
Genomic context (GRCh38, chr14:45,176,633, plus strand): 5'-TTATGTTTCGAATCAAGCACTAATACCAAGAGATCATAGTAAAAATTTTACTAGTGGAAC[T>G]GTTATTATCCCATCAAATGAAGATATGCAGAATCCAAATTATGTACATTTGCCACTGAGT-3'
Protein context (NP_065988.1, residues 1283-1303): RDHSKNFTSG[Thr1293=]VIIPSNEDMQ

ClinVar aggregate classification (germline): Likely benign. Review status: criteria provided, multiple submitters, no conflicts (2 of 4 stars). 3 submissions from 3 submitters: Likely benign (2). 1 of the submissions does not count toward it. Last evaluated 2025-07-23.

Conditions:
FANCM-related disorder. Also called: FANCM-related condition.
Fanconi anemia (FA). Also called: Fanconi's anemia. Identifiers: Orphanet 84, MedGen C0015625, MeSH D005199, MONDO:0019391.
Inborn genetic diseases. Identifiers: MedGen C0950123, MeSH D030342.

Allele frequency attached by ClinVar (database versions not stated): gnomAD exomes below 0.00001; TOPMed 0.00002.

Submissions (3):

Labcorp Genetics (formerly Invitae), Labcorp
Classification: Likely benign for Fanconi anemia. Last evaluated: 2025-07-23. Review status: criteria provided, single submitter. Criteria: Invitae Variant Classification Sherloc (09022015). Collection method: clinical testing. Allele origin: germline.

Ambry Genetics
Classification: Likely benign for Inborn genetic diseases. Last evaluated: 2025-06-15. Review status: criteria provided, single submitter. Criteria: Ambry Variant Classification Scheme 2023. Collection method: clinical testing. Allele origin: germline.

PreventionGenetics, part of Exact Sciences
Classification: Likely benign for FANCM-related condition. Last evaluated: 2022-10-05. Review status: no assertion criteria provided. Collection method: clinical testing. Allele origin: germline. Not counted in ClinVar's aggregate classification.
Comment: This variant is classified as likely benign based on ACMG/AMP sequence variant interpretation guidelines (Richards et al. 2015 PMID: 25741868, with internal and published modifications).